The following is an entry in ClinVar:

ClinVar aggregate classification (germline): Uncertain significance (1 of 4 stars; one submission).

Allele frequency attached by ClinVar (database versions not stated): gnomAD exomes below 0.00001; gnomAD 0.00001; TOPMed 0.00001.
gnomAD v4.1: 9 of 1,613,872 alleles (0.00056%); highest among the groups gnomAD compares: Non-Finnish European, 0.00059%; no homozygotes.

Submission:

Labcorp Genetics (formerly Invitae), Labcorp
Classification: Uncertain significance. Last evaluated: 2023-12-30. Review status: criteria provided, single submitter. Criteria: Invitae Variant Classification Sherloc (09022015). Collection method: clinical testing. Allele origin: germline.
Comment: This sequence change replaces glutamine, which is neutral and polar, with glutamic acid, which is acidic and polar, at codon 169 of the VCAN protein (p.Gln169Glu). This variant is not present in population databases (gnomAD no frequency). This variant has not been reported in the literature in individuals affected with VCAN-related conditions. An algorithm developed to predict the effect of missense changes on protein structure and function (PolyPhen-2) suggests that this variant is likely to be tolerated. In summary, the available evidence is currently insufficient to determine the role of this variant in disease. Therefore, it has been classified as a Variant of Uncertain Significance.

NM_004385.5(VCAN):c.505C>G (p.Gln169Glu)

Gene: VCAN (versican; plus strand). Cytogenetic location: 5q14.2.
Variant type: single nucleotide variant.
Coding change: c.505C>G on transcript NM_004385.5 (MANE Select); coding-DNA position 505, C replaced by G.
Protein change: p.Gln169Glu; replaces glutamine 169 with glutamic acid.
Molecular consequence: missense variant.
Genome position (GRCh38, 1-based): chr5:83,493,605, C>G. VCF-style: chr5-83493605-C-G. GRCh37 (hg19) VCF-style: chr5-82789424-C-G.
Other names: c.505C>G, p.Gln169Glu (NM_001126336.3, NM_001164097.2, NM_001164098.2); short protein forms Q169E.
Identifiers: ClinVar variation 2747435 (VCV002747435.3), dbSNP rs1215389937, ClinGen allele CA360296143.